The following is an entry in ClinVar:

ClinVar aggregate classification (germline): Benign (1 of 4 stars; one submission).

Conditions:
Renal hypomagnesemia 2 (HOMG2). Also called: MAGNESIUM LOSS, ISOLATED RENAL. Identifiers: Orphanet 34528, MedGen C1835171, MONDO:0007937, OMIM 154020.

Allele frequency attached by ClinVar (database versions not stated): TOPMed 0.00579; 1000 Genomes Project 0.00719; 1000 Genomes Project 30x 0.00812.
gnomAD v4.1: 892 of 327,180 alleles (0.27%); highest among the groups gnomAD compares: African/African-American, 1.7%; 8 homozygotes.

Submission:

Illumina Laboratory Services, Illumina
Classification: Benign for Renal hypomagnesemia 2. Last evaluated: 2018-01-13. Review status: criteria provided, single submitter. Criteria: ICSL Variant Classification Criteria 13 December 2019. Collection method: clinical testing. Allele origin: germline.
Comment: This variant was observed in the ICSL laboratory as part of a predisposition screen in an ostensibly healthy population. It had not been previously curated by ICSL or reported in the Human Gene Mutation Database (HGMD: prior to June 1st, 2018), and was therefore a candidate for classification through an automated scoring system. Utilizing variant allele frequency, disease prevalence and penetrance estimates, and inheritance mode, an automated score was calculated to assess if this variant is too frequent to cause the disease. Based on the score and internal cut-off values, a variant classified as benign is not then subjected to further curation. The score for this variant resulted in a classification of benign for this disease.

NM_001680.5(FXYD2):c.*78C>A

Genes: FXYD2 (FXYD domain containing ion transport regulator 2; minus strand), FXYD6-FXYD2 (FXYD6-FXYD2 readthrough; minus strand). Cytogenetic location: 11q23.3.
Variant type: single nucleotide variant.
Coding change: c.*78C>A on transcript NM_001680.5 (MANE Select); 78 bases downstream of the stop codon, C replaced by A.
Molecular consequence: 3 prime UTR variant.
Genome position (GRCh38, 1-based): chr11:117,820,301, G>T on the plus strand (C>A on the coding strand, the complement: FXYD2 is on the minus strand). VCF-style: chr11-117820301-G-T. GRCh37 (hg19) VCF-style: chr11-117691016-G-T.
Other names: c.*78C>A (NM_001204268.3, NM_021603.4); c.*112C>A (NM_001243598.4).
Identifiers: ClinVar variation 302518 (VCV000302518.5), dbSNP rs114952534, ClinGen allele CA10629877.